The following is an entry in ClinVar:

NM_005546.4(ITK):c.758T>C (p.Leu253Pro)

Gene: ITK (IL2 inducible T cell kinase; plus strand). Cytogenetic location: 5q33.3.
Variant type: single nucleotide variant.
Coding change: c.758T>C on transcript NM_005546.4 (MANE Select); coding-DNA position 758, T replaced by C.
Protein change: p.Leu253Pro; replaces leucine 253 with proline.
Molecular consequence: missense variant.
Genome position (GRCh38, 1-based): chr5:157,232,384, T>C. VCF-style: chr5-157232384-T-C. GRCh37 (hg19) VCF-style: chr5-156659394-T-C.
Other names: short protein forms L253P.
Identifiers: ClinVar variation 1011286 (VCV001011286.8), dbSNP rs1754675255, ClinGen allele CA361956332.
Genomic context (GRCh38, chr5:157,232,384, plus strand): 5'-TTTTCCTTGCTTTCAGGTGGTACAATAAGAGTATCAGCCGAGACAAAGCTGAAAAACTTC[T>C]TTTGGACACAGTAAGTCTCCTTAACCTGTCTTTTGACATAAAATAAAATGAATTAAGTGC-3'
Protein context (NP_005537.3, residues 243-263): SISRDKAEKL[Leu253Pro]LDTGKEGAFM

ClinVar aggregate classification (germline): Uncertain significance (1 of 4 stars; one submission).

Conditions:
Lymphoproliferative syndrome 1 (LPFS1). Identifiers: Orphanet 238505, Orphanet 538963, MedGen C3552634, MONDO:0013081, OMIM 613011.

Submission:

Labcorp Genetics (formerly Invitae), Labcorp
Classification: Uncertain significance for Lymphoproliferative syndrome 1. Last evaluated: 2020-07-15. Review status: criteria provided, single submitter. Criteria: Invitae Variant Classification Sherloc (09022015). Collection method: clinical testing. Allele origin: germline.
Comment: This variant is not present in population databases (ExAC no frequency). This sequence change replaces leucine with proline at codon 253 of the ITK protein (p.Leu253Pro). The leucine residue is highly conserved and there is a moderate physicochemical difference between leucine and proline. This variant has not been reported in the literature in individuals with ITK-related conditions. In summary, the available evidence is currently insufficient to determine the role of this variant in disease. Therefore, it has been classified as a Variant of Uncertain Significance. Algorithms developed to predict the effect of missense changes on protein structure and function are either unavailable or do not agree on the potential impact of this missense change (SIFT: "Deleterious"; PolyPhen-2: "Probably Damaging"; Align-GVGD: "Class C0").